The following is an entry in ClinVar:

NC_000007.13:g.(33192464_33195249)_(33195315_33217089)del

Gene: BBS9 (Bardet-Biedl syndrome 9; plus strand). Cytogenetic location: 7p14.3.
Variant type: Deletion.
Identifiers: ClinVar variation 3063865 (VCV003063865.1).

ClinVar aggregate classification (germline): Pathogenic (1 of 4 stars; one submission).

Conditions:
Bardet-Biedl syndrome (BBS). Identifiers: Orphanet 110, MedGen C0752166, MONDO:0015229.

Submission:

Women's Health and Genetics/Laboratory Corporation of America, LabCorp
Classification: Pathogenic for Bardet-Biedl syndrome. Last evaluated: 2024-01-11. Review status: criteria provided, single submitter. Criteria: LabCorp Variant Classification Summary - May 2015. Collection method: clinical testing. Allele origin: germline.
Comment: Variant summary: The variant involves the deletion of exon 4 in the BBS9 gene. A presumed nomenclature of c.(263+1_264-1)_(328+1_329-1)del has been designated for the purposes of this classification. This Copy Number Variant (CNV) is expected to alter the reading frame and predicted to result in a truncation or absence of the encoded protein due to nonsense mediated decay (NMD). The variant was absent in 120780 control chromosomes in the gnomAD database (Structural Variants v4.0 dataset). To our knowledge, no occurrence of c.(263+1_264-1)_(328+1_329-1)del in individuals affected with Bardet-Biedl Syndrome and no experimental evidence demonstrating its impact on protein function have been reported. No submitters have cited clinical-significance assessments for this variant to ClinVar. Based on the evidence outlined above, the variant was classified as pathogenic.